The following is an entry in ClinVar:

ClinVar aggregate classification (germline): Uncertain significance (1 of 4 stars; one submission).

Conditions:
Familial encephalopathy with neuroserpin inclusion bodies. Also called: ENCEPHALOPATHY, FAMILIAL, WITH COLLINS BODIES. Identifiers: Orphanet 85110, MedGen C1858680, MONDO:0011412, OMIM 604218.

Allele frequency attached by ClinVar (database versions not stated): gnomAD 0.00001; TOPMed 0.00001.
gnomAD v4.1: 16 of 1,614,024 alleles (0.00099%); highest among the groups gnomAD compares: Admixed American, 0.0033%; no homozygotes.

Submission:

Labcorp Genetics (formerly Invitae), Labcorp
Classification: Uncertain significance for Familial encephalopathy with neuroserpin inclusion bodies. Last evaluated: 2026-01-19. Review status: criteria provided, single submitter. Criteria: Invitae Variant Classification Sherloc (09022015). Collection method: clinical testing. Allele origin: germline.
Comment: This sequence change replaces glycine, which is neutral and non-polar, with glutamic acid, which is acidic and polar, at codon 58 of the SERPINI1 protein (p.Gly58Glu). This variant is present in population databases (rs548008493, gnomAD 0.006%). This variant has not been reported in the literature in individuals affected with SERPINI1-related conditions. ClinVar contains an entry for this variant (Variation ID: 2889551). Invitae Evidence Modeling of protein sequence and biophysical properties (such as structural, functional, and spatial information, amino acid conservation, physicochemical variation, residue mobility, and thermodynamic stability) indicates that this missense variant is expected to disrupt SERPINI1 protein function with a positive predictive value of 80%. In summary, the available evidence is currently insufficient to determine the role of this variant in disease. Therefore, it has been classified as a Variant of Uncertain Significance.

NM_001122752.2(SERPINI1):c.173G>A (p.Gly58Glu)

Gene: SERPINI1 (serpin family I member 1; plus strand). Cytogenetic location: 3q26.1.
Variant type: single nucleotide variant.
Coding change: c.173G>A on transcript NM_001122752.2 (MANE Select); coding-DNA position 173, G replaced by A.
Protein change: p.Gly58Glu; replaces glycine 58 with glutamic acid.
Molecular consequence: missense variant.
Genome position (GRCh38, 1-based): chr3:167,789,301, G>A. VCF-style: chr3-167789301-G-A. GRCh37 (hg19) VCF-style: chr3-167507089-G-A.
Other names: c.173G>A, p.Gly58Glu (NM_005025.5); short protein forms G58E.
Identifiers: ClinVar variation 2889551 (VCV002889551.3), dbSNP rs548008493, ClinGen allele CA2694743.